The following is an entry in ClinVar:

NM_173494.2(DNAAF6):c.452C>G (p.Thr151Arg)

Gene: DNAAF6 (dynein axonemal assembly factor 6; plus strand). Cytogenetic location: Xq22.3.
Variant type: single nucleotide variant.
Coding change: c.452C>G on transcript NM_173494.2 (MANE Select); coding-DNA position 452, C replaced by G.
Protein change: p.Thr151Arg; replaces threonine 151 with arginine.
Molecular consequence: missense variant.
Genome position (GRCh38, 1-based): chrX:107,238,944, C>G. VCF-style: chrX-107238944-C-G. GRCh37 (hg19) VCF-style: chrX-106482174-C-G.
Other names: c.452C>G, p.Thr151Arg (NM_001169154.2); short protein forms T151R.
Identifiers: ClinVar variation 4697592 (VCV004697592.1).

ClinVar aggregate classification (germline): Uncertain significance (1 of 4 stars; one submission).

Submission:

Labcorp Genetics (formerly Invitae), Labcorp
Classification: Uncertain significance. Last evaluated: 2025-06-14. Review status: criteria provided, single submitter. Criteria: Invitae Variant Classification Sherloc (09022015). Collection method: clinical testing. Allele origin: germline.
Comment: This sequence change replaces threonine, which is neutral and polar, with arginine, which is basic and polar, at codon 151 of the PIH1D3 protein (p.Thr151Arg). This variant is present in population databases (rs761810632, gnomAD 0.001%), including at least one homozygous and/or hemizygous individual. This variant has not been reported in the literature in individuals affected with PIH1D3-related conditions. An algorithm developed to predict the effect of missense changes on protein structure and function (PolyPhen-2) suggests that this variant is likely to be disruptive. In summary, the available evidence is currently insufficient to determine the role of this variant in disease. Therefore, it has been classified as a Variant of Uncertain Significance.